The following is an entry in ClinVar:

NM_014846.4(WASHC5):c.1859T>C (p.Val620Ala)

Gene: WASHC5 (WASH complex subunit 5; minus strand). Cytogenetic location: 8q24.13.
Variant type: single nucleotide variant.
Coding change: c.1859T>C on transcript NM_014846.4 (MANE Select); coding-DNA position 1859, T replaced by C.
Protein change: p.Val620Ala; replaces valine 620 with alanine.
Molecular consequence: missense variant.
Genome position (GRCh38, 1-based): chr8:125,057,572, A>G on the plus strand (T>C on the coding strand, the complement: WASHC5 is on the minus strand). VCF-style: chr8-125057572-A-G. GRCh37 (hg19) VCF-style: chr8-126069814-A-G.
Other names: c.1415T>C, p.Val472Ala (NM_001330609.2); short protein forms V472A, V620A.
Identifiers: ClinVar variation 3256753 (VCV003256753.2).
Genomic context (GRCh38, chr8:125,057,572, plus strand): 5'-CAGTTATCTGGCAAGAGTAAATATCACCCTGATGCATTTCTTACTTTTCTCACATAGGAT[A>G]CCAACTCTCCAGAATAGTACTGTGACACGCTGAGCAGGTCGGGGCTATTTGCCTGATTAA-3'
Protein context (NP_055661.3, residues 610-630): SVSQYYSGEL[Val620Ala]SYVRKVLQII

ClinVar aggregate classification (germline): Likely pathogenic. Review status: criteria provided, single submitter (1 of 4 stars). 2 submissions from 2 submitters: Likely pathogenic (1). 1 of the submissions does not count toward it. Last evaluated 2023-12-20.

Conditions:
WASHC5-related disorder. Also called: WASHC5-related condition.
Ritscher-Schinzel syndrome 1 (RTSC1). Identifiers: Orphanet 7, MedGen C4551776, MONDO:0009073, OMIM 220210.

Submissions (2):

Blueprint Genetics
Classification: Likely pathogenic for WASHC5-related disorders. Last evaluated: 2023-12-20. Review status: criteria provided, single submitter. Criteria: ACMG Guidelines, 2015. Collection method: clinical testing. Allele origin: germline. Affected: yes. Observed: 1 variant allele.

Solve-RD Consortium
Classification: Likely pathogenic for Ritscher-Schinzel syndrome 1. Last evaluated: 2022-06-01. Review status: no assertion criteria provided. Collection method: provider interpretation. Allele origin: inherited. Affected: yes. Not counted in ClinVar's aggregate classification.
Comment: Variant confirmed as disease-causing by referring clinical team

Variant identified during reanalysis of unsolved cases by the Solve-RD project. The Solve-RD project has received funding from the European Union’s Horizon 2020 research and innovation programme under grant agreement No 779257.

Literature cited by the submitters: PubMed 39825153 (cited by Solve-RD Consortium).